The following is an entry in ClinVar:

NM_000393.5(COL5A2):c.1013G>A (p.Arg338Lys)

Gene: COL5A2 (collagen type V alpha 2 chain; minus strand). Cytogenetic location: 2q32.2.
Variant type: single nucleotide variant.
Coding change: c.1013G>A on transcript NM_000393.5 (MANE Select); coding-DNA position 1013, G replaced by A.
Protein change: p.Arg338Lys; replaces arginine 338 with lysine.
Molecular consequence: missense variant.
Genome position (GRCh38, 1-based): chr2:189,078,562, C>T on the plus strand (G>A on the coding strand, the complement: COL5A2 is on the minus strand). VCF-style: chr2-189078562-C-T. GRCh37 (hg19) VCF-style: chr2-189943288-C-T.
Other names: short protein forms R338K.
Identifiers: ClinVar variation 4885295 (VCV004885295.2).

ClinVar aggregate classification (germline): Uncertain significance (1 of 4 stars; one submission).

gnomAD v4.1: 4 of 1,612,496 alleles (0.00025%); highest among the groups gnomAD compares: African/African-American, 0.0053%; no homozygotes.

Submission:

Dasa
Classification: Uncertain significance. Last evaluated: 2025-07-01. Review status: criteria provided, single submitter. Criteria: DASA Assertion Criteria. Collection method: clinical testing. Allele origin: germline.
Comment: NM_000393.5(COL5A2):c.1013G>A (p.Arg338Lys) is a missense variant that results in the substitution of arginine with lysine. This variant is rare in population databases. The currently available literature and clinical evidence are not sufficient to establish a definitive association between this variant and the reported condition. Therefore, this variant is classified as a variant of uncertain significance.